The following is an entry in ClinVar:

ClinVar aggregate classification (germline): Uncertain significance (1 of 4 stars; one submission).

Conditions:
Lynch syndrome. Identifiers: Orphanet 144, MedGen C4552100, MONDO:0005835. Disease mechanism: loss of function.

Submission:

All of Us Research Program, National Institutes of Health
Classification: Uncertain significance for Lynch syndrome. Last evaluated: 2023-03-23. Review status: criteria provided, single submitter. Criteria: ACMG Guidelines, 2015. Collection method: clinical testing. Allele origin: germline. Inheritance: Autosomal dominant inheritance. Observed: 1 variant allele, 1 heterozygote.
Comment: This variant causes a T to A nucleotide substitution at the -13 position of intron 6 of the MSH6 gene. Splice site prediction tools suggest that this variant may not impact RNA splicing. To our knowledge, functional studies have not been reported for this variant. This variant has not been reported in individuals affected with hereditary cancer in the literature. This variant has not been identified in the general population by the Genome Aggregation Database (gnomAD). The available evidence is insufficient to determine the role of this variant in disease conclusively. Therefore, this variant is classified as a Variant of Uncertain Significance.

This study involves interpretation of variants in research participants for the purpose of population health screening. Participant phenotype was not available at the time of variant classification. Additional details can be found in publication PMID: 35346344, PMCID: PMC8962531

NM_000179.3(MSH6):c.3557-13T>A

Gene: MSH6 (mutS homolog 6; plus strand). Cytogenetic location: 2p16.3.
Variant type: single nucleotide variant.
Coding change: c.3557-13T>A on transcript NM_000179.3 (MANE Select); 13 bases into the intron before coding-DNA position 3557, T replaced by A.
Molecular consequence: intron variant.
Genome position (GRCh38, 1-based): chr2:47,805,605, T>A. VCF-style: chr2-47805605-T-A. GRCh37 (hg19) VCF-style: chr2-48032744-T-A.
Other names: c.3557-13T>A (NM_001406809.1, NM_001406796.1, NM_001406808.1 and 1 more transcripts); c.2651-13T>A (NM_001406811.1, NM_001406814.1, NM_001281493.2 and 6 more transcripts); c.3260-13T>A (NM_001406805.1, NM_001406797.1, NM_001406801.1 and 10 more transcripts); c.3653-13T>A (NM_001406795.1, NM_001406802.1); c.3563-13T>A (NM_001406813.1); c.3032-13T>A (NM_001406807.1, NM_001406799.1, NM_001406806.1); c.3383-13T>A (NM_001406798.1); c.2693-13T>A (NM_001406803.1); and 7 more.
Identifiers: ClinVar variation 3069994 (VCV003069994.1), dbSNP rs2530820139, ClinGen allele CA2825001129.